The following is an entry in ClinVar:

NM_001458.5(FLNC):c.1076T>C (p.Ile359Thr)

Gene: FLNC (filamin C; plus strand). Cytogenetic location: 7q32.1.
Variant type: single nucleotide variant.
Coding change: c.1076T>C on transcript NM_001458.5 (MANE Select); coding-DNA position 1076, T replaced by C.
Protein change: p.Ile359Thr; replaces isoleucine 359 with threonine.
Molecular consequence: missense variant.
Genome position (GRCh38, 1-based): chr7:128,838,295, T>C. VCF-style: chr7-128838295-T-C. GRCh37 (hg19) VCF-style: chr7-128478349-T-C.
Other names: c.1076T>C, p.Ile359Thr (NM_001127487.2); short protein forms I359T.
Identifiers: ClinVar variation 2926182 (VCV002926182.3), dbSNP rs1340028056, ClinGen allele CA369223622.
Genomic context (GRCh38, chr7:128,838,295, plus strand): 5'-CTAGAAGCTAACCTTTGACCTCTGACCCCTAGGTGACCGTGCTCTTTGCTGGCCAGAACA[T>C]TGAACGCAGTCCCTTTGAGGTGAACGTGGGCATGGCCCTGGGAGATGCCAACAAGGTGTC-3'
Protein context (NP_001449.3, residues 349-369): KVTVLFAGQN[Ile359Thr]ERSPFEVNVG

ClinVar aggregate classification (germline): Uncertain significance (1 of 4 stars; one submission).

Conditions:
Myofibrillar myopathy 5. Also called: Filaminopathy (type); FILAMINOPATHY, AUTOSOMAL DOMINANT. Identifiers: Orphanet 171445, MedGen C1836050, MONDO:0012289, OMIM 609524.
Hypertrophic cardiomyopathy 26. Also called: Cardiomyopathy, familial hypertrophic, 26. Identifiers: Orphanet 75249, MedGen C4310749, MONDO:0014883, OMIM 617047.
Distal myopathy with posterior leg and anterior hand involvement. Also called: WILLIAMS DISTAL MYOPATHY. Identifiers: Orphanet 63273, MedGen C3279722, MONDO:0013550, OMIM 614065.

Submission:

Labcorp Genetics (formerly Invitae), Labcorp
Classification: Uncertain significance for Distal myopathy with posterior leg and anterior hand involvement; Myofibrillar myopathy 5; Hypertrophic cardiomyopathy 26. Last evaluated: 2023-10-03. Review status: criteria provided, single submitter. Criteria: Invitae Variant Classification Sherloc (09022015). Collection method: clinical testing. Allele origin: germline.
Comment: This sequence change replaces isoleucine, which is neutral and non-polar, with threonine, which is neutral and polar, at codon 359 of the FLNC protein (p.Ile359Thr). This variant is not present in population databases (gnomAD no frequency). This missense change has been observed in individual(s) with hypertrophic cardiomyopathy (PMID: 30411535). Advanced modeling of protein sequence and biophysical properties (such as structural, functional, and spatial information, amino acid conservation, physicochemical variation, residue mobility, and thermodynamic stability) has been performed at Invitae for this missense variant, however the output from this modeling did not meet the statistical confidence thresholds required to predict the impact of this variant on FLNC protein function. In summary, the available evidence is currently insufficient to determine the role of this variant in disease. Therefore, it has been classified as a Variant of Uncertain Significance.

Literature cited by the submitters: PubMed 30411535.